The following is an entry in ClinVar:

NM_006197.4(PCM1):c.1416A>C (p.Leu472=)

Gene: PCM1 (pericentriolar material 1; plus strand). Cytogenetic location: 8p22.
Variant type: single nucleotide variant.
Coding change: c.1416A>C on transcript NM_006197.4 (MANE Select); coding-DNA position 1416, A replaced by C.
Protein change: p.Leu472=; no amino-acid change (leucine 472 retained).
Molecular consequence: synonymous variant. On other transcripts: non-coding transcript variant (1).
Genome position (GRCh38, 1-based): chr8:17,955,597, A>C. VCF-style: chr8-17955597-A-C. GRCh37 (hg19) VCF-style: chr8-17813106-A-C.
Other names: c.1416A>C, p.Leu472= (NM_001315507.2, NM_001315508.2, NM_001352634.2 and 18 more transcripts); c.1533A>C, p.Leu511= (NM_001352632.2, NM_001352633.2, NM_001352636.2 and 7 more transcripts).
Identifiers: ClinVar variation 743288 (VCV000743288.28), dbSNP rs199510239, ClinGen allele CA4648669.

ClinVar aggregate classification (germline): Benign/Likely benign. Review status: criteria provided, multiple submitters, no conflicts (2 of 4 stars). 3 submissions from 3 submitters: Benign (2); Likely benign (1). Last evaluated 2023-07-01.

Allele frequency attached by ClinVar (database versions not stated): gnomAD 0.00013; ESP Exome Variant Server 0.00025; TOPMed 0.00025; 1000 Genomes Project 0.00080; 1000 Genomes Project 30x 0.00094.
gnomAD v4.1: 1,208 of 1,613,752 alleles (0.075%); highest among the groups gnomAD compares: Middle Eastern, 1%; 9 homozygotes.

Submissions (3):

CeGaT Center for Human Genetics Tuebingen
Classification: Likely benign. Last evaluated: 2023-07-01. Review status: criteria provided, single submitter. Criteria: CeGaT Center For Human Genetics Tuebingen Variant Classification Criteria Version 2. Collection method: clinical testing. Allele origin: germline. Affected: yes. Observed: 1 variant allele.
Comment: PCM1: BP4, BP7

Labcorp Genetics (formerly Invitae), Labcorp
Classification: Benign. Last evaluated: 2018-10-17. Review status: criteria provided, single submitter. Criteria: Invitae Variant Classification Sherloc (09022015). Collection method: clinical testing. Allele origin: germline.

Breakthrough Genomics
Classification: Benign. Review status: criteria provided, single submitter. Criteria: ACMG Guidelines, 2015. Collection method: not provided. Allele origin: germline. Inheritance: Unknown mechanism. Affected: yes.